The following is an entry in ClinVar:

ClinVar aggregate classification (germline): Uncertain significance (1 of 4 stars; one submission).

Allele frequency attached by ClinVar (database versions not stated): gnomAD exomes below 0.00001.
gnomAD v4.1: 1 of 1,613,990 alleles (0.000062%); highest among the groups gnomAD compares: Non-Finnish European, 0.000085%; no homozygotes.

Submission:

Labcorp Genetics (formerly Invitae), Labcorp
Classification: Uncertain significance. Last evaluated: 2021-04-14. Review status: criteria provided, single submitter. Criteria: Invitae Variant Classification Sherloc (09022015). Collection method: clinical testing. Allele origin: germline.
Comment: In summary, the available evidence is currently insufficient to determine the role of this variant in disease. Therefore, it has been classified as a Variant of Uncertain Significance. Algorithms developed to predict the effect of missense changes on protein structure and function are either unavailable or do not agree on the potential impact of this missense change (SIFT: "Deleterious"; PolyPhen-2: "Probably Damaging"; Align-GVGD: "Class C0"). This variant has not been reported in the literature in individuals with CDH2-related conditions. This variant is not present in population databases (ExAC no frequency). This sequence change replaces leucine with phenylalanine at codon 180 of the CDH2 protein (p.Leu180Phe). The leucine residue is highly conserved and there is a small physicochemical difference between leucine and phenylalanine.

NM_001792.5(CDH2):c.538C>T (p.Leu180Phe)

Gene: CDH2 (cadherin 2; minus strand). Cytogenetic location: 18q12.1.
Variant type: single nucleotide variant.
Coding change: c.538C>T on transcript NM_001792.5 (MANE Select); coding-DNA position 538, C replaced by T.
Protein change: p.Leu180Phe; replaces leucine 180 with phenylalanine.
Molecular consequence: missense variant.
Genome position (GRCh38, 1-based): chr18:28,011,854, G>A on the plus strand (C>T on the coding strand, the complement: CDH2 is on the minus strand). VCF-style: chr18-28011854-G-A. GRCh37 (hg19) VCF-style: chr18-25591818-G-A.
Other names: c.445C>T, p.Leu149Phe (NM_001308176.2); short protein forms L149F, L180F.
Identifiers: ClinVar variation 1345304 (VCV001345304.8), dbSNP rs2144034072, ClinGen allele CA402243747.